The following is an entry in ClinVar:

NM_017570.5(OPLAH):c.2476G>T (p.Gly826Cys)

Gene: OPLAH (5-oxoprolinase, ATP-hydrolysing; minus strand). Cytogenetic location: 8q24.3.
Variant type: single nucleotide variant.
Coding change: c.2476G>T on transcript NM_017570.5 (MANE Select); coding-DNA position 2476, G replaced by T.
Protein change: p.Gly826Cys; replaces glycine 826 with cysteine.
Molecular consequence: missense variant.
Genome position (GRCh38, 1-based): chr8:144,054,847, C>A on the plus strand (G>T on the coding strand, the complement: OPLAH is on the minus strand). VCF-style: chr8-144054847-C-A. GRCh37 (hg19) VCF-style: chr8-145109750-C-A.
Other names: short protein forms G826C.
Identifiers: ClinVar variation 3343778 (VCV003343778.1).
Genomic context (GRCh38, chr8:144,054,847, plus strand): 5'-GAGGCAGGCGGGCAGCACCCCTCACCGGTGTGATAACAGTCAGGTCTGGCAGGTGGCTGC[C>A]CCCGGCACTGGGATGGTTGCTCAGTAGCACGTCGCCAGGGTGGAGATCGGCCCCCAGGTG-3'
Protein context (NP_060040.1, residues 816-836): VLLSNHPSAG[Gly826Cys]SHLPDLTVIT

ClinVar aggregate classification (germline): Uncertain significance (1 of 4 stars; one submission).

Submission:

GeneDx
Classification: Uncertain significance. Last evaluated: 2023-05-22. Review status: criteria provided, single submitter. Criteria: GeneDx Variant Classification Process June 2021. Collection method: clinical testing. Allele origin: germline. Affected: yes.
Comment: Not observed at significant frequency in large population cohorts (gnomAD); In silico analysis supports that this missense variant has a deleterious effect on protein structure/function; Has not been previously published as pathogenic or benign to our knowledge